The following is an entry in ClinVar:

ClinVar aggregate classification (germline): Uncertain significance (1 of 4 stars; one submission).

Conditions:
Long QT syndrome (LQTS). Identifiers: MedGen C0023976, MeSH D008133, MONDO:0002442. Disease mechanism: loss of function. Inheritance: Various modes of inheritance.

gnomAD v4.1: 2 of 1,614,198 alleles (0.00012%); highest among the groups gnomAD compares: Non-Finnish European, 0.00017%; no homozygotes.

Submission:

Labcorp Genetics (formerly Invitae), Labcorp
Classification: Uncertain significance for Long QT syndrome. Last evaluated: 2024-12-09. Review status: criteria provided, single submitter. Criteria: Invitae Variant Classification Sherloc (09022015). Collection method: clinical testing. Allele origin: germline.
Comment: This sequence change replaces serine, which is neutral and polar, with glycine, which is neutral and non-polar, at codon 2761 of the AKAP9 protein (p.Ser2761Gly). This variant is present in population databases (rs371571557, gnomAD 0.0009%). This variant has not been reported in the literature in individuals affected with AKAP9-related conditions. An algorithm developed to predict the effect of missense changes on protein structure and function (PolyPhen-2) suggests that this variant is likely to be tolerated. In summary, the available evidence is currently insufficient to determine the role of this variant in disease. Therefore, it has been classified as a Variant of Uncertain Significance.

NM_005751.5(AKAP9):c.8281A>G (p.Ser2761Gly)

Gene: AKAP9 (A-kinase anchoring protein 9; plus strand). Cytogenetic location: 7q21.2.
Variant type: single nucleotide variant.
Coding change: c.8281A>G on transcript NM_005751.5 (MANE Select); coding-DNA position 8281, A replaced by G.
Protein change: p.Ser2761Gly; replaces serine 2761 with glycine.
Molecular consequence: missense variant.
Genome position (GRCh38, 1-based): chr7:92,083,290, A>G. VCF-style: chr7-92083290-A-G. GRCh37 (hg19) VCF-style: chr7-91712604-A-G.
Other names: c.2926A>G, p.Ser976Gly (NM_001379277.1); c.8257A>G, p.Ser2753Gly (NM_147185.3); short protein forms S2753G, S2761G, S976G.
Identifiers: ClinVar variation 3615872 (VCV003615872.2).